The following is an entry in ClinVar:

NM_014822.4(SEC24D):c.2356dup (p.Ile786fs)

Gene: SEC24D (SEC24 homolog D, COPII component; minus strand). Cytogenetic location: 4q26.
Variant type: Duplication.
Coding change: c.2356dup on transcript NM_014822.4 (MANE Select); coding-DNA position 2356, one base duplicated (A; older notation c.2356dupA).
Protein change: p.Ile786fs; shifts the reading frame from isoleucine 786.
Molecular consequence: frameshift variant.
Genome position (GRCh38, 1-based): chr4:118,739,170, T duplicated on the plus strand (A on the coding strand, the reverse complement: SEC24D is on the minus strand). VCF-style (leftmost placement, unchanged base first): chr4-118739169-A-AT. GRCh37 (hg19) VCF-style: chr4-119660324-A-AT.
Other names: c.2359dup, p.Ile787fs (NM_001318066.2); short protein forms I786fs, I787fs.
Identifiers: ClinVar variation 4719845 (VCV004719845.1).

ClinVar aggregate classification (germline): Pathogenic (1 of 4 stars; one submission).

Submission:

Labcorp Genetics (formerly Invitae), Labcorp
Classification: Pathogenic. Last evaluated: 2025-05-24. Review status: criteria provided, single submitter. Criteria: Invitae Variant Classification Sherloc (09022015). Collection method: clinical testing. Allele origin: germline.
Comment: This sequence change creates a premature translational stop signal (p.Ile786Asnfs*10) in the SEC24D gene. It is expected to result in an absent or disrupted protein product. Loss-of-function variants in SEC24D are known to be pathogenic (PMID: 25683121, 30462379). This variant is not present in population databases (gnomAD no frequency). This variant has not been reported in the literature in individuals affected with SEC24D-related conditions. For these reasons, this variant has been classified as Pathogenic.

Literature cited by the submitters: PubMed 25683121; PubMed 30462379.